The following is an entry in ClinVar:

NM_183050.4(BCKDHB):c.398G>A (p.Gly133Glu)

Gene: BCKDHB (branched chain keto acid dehydrogenase E1 subunit beta; plus strand). Cytogenetic location: 6q14.1.
Variant type: single nucleotide variant.
Coding change: c.398G>A on transcript NM_183050.4 (MANE Select); coding-DNA position 398, G replaced by A.
Protein change: p.Gly133Glu; replaces glycine 133 with glutamic acid.
Molecular consequence: missense variant. On other transcripts: non-coding transcript variant (1).
Genome position (GRCh38, 1-based): chr6:80,167,732, G>A. VCF-style: chr6-80167732-G-A. GRCh37 (hg19) VCF-style: chr6-80877449-G-A.
Other names: c.398G>A, p.Gly133Glu (NM_000056.5); c.188G>A, p.Gly63Glu (NM_001318975.1); short protein forms G133E, G63E.
Identifiers: ClinVar variation 857327 (VCV000857327.8), dbSNP rs1772648897, ClinGen allele CA364660471.

ClinVar aggregate classification (germline): Uncertain significance (1 of 4 stars; one submission).

Conditions:
Maple syrup urine disease (MSUD). Identifiers: Orphanet 511, MedGen C0024776, MeSH D008375, MONDO:0009563. Disease mechanism: loss of function.

Submission:

Labcorp Genetics (formerly Invitae), Labcorp
Classification: Uncertain significance for Maple syrup urine disease. Last evaluated: 2021-08-05. Review status: criteria provided, single submitter. Criteria: Invitae Variant Classification Sherloc (09022015). Collection method: clinical testing. Allele origin: germline.
Comment: This variant is not present in population databases (ExAC no frequency). This variant has not been reported in the literature in individuals with BCKDHB-related disease. Algorithms developed to predict the effect of missense changes on protein structure and function do not agree on the potential impact of this missense change (SIFT: "Deleterious"; PolyPhen-2: "Probably Damaging"; Align-GVGD: "Class C15"). In summary, the available evidence is currently insufficient to determine the role of this variant in disease. Therefore, it has been classified as a Variant of Uncertain Significance. This sequence change replaces glycine with glutamic acid at codon 133 of the BCKDHB protein (p.Gly133Glu). The glycine residue is highly conserved and there is a moderate physicochemical difference between glycine and glutamic acid.